The following is an entry in ClinVar:

NM_001370466.1(NOD2):c.*89C>T

Genes: CYLD-AS1 (CYLD antisense RNA 1; minus strand), NOD2 (nucleotide binding oligomerization domain containing 2; plus strand). Cytogenetic location: 16q12.1.
Variant type: single nucleotide variant.
Coding change: c.*89C>T on transcript NM_001370466.1 (MANE Select); 89 bases downstream of the stop codon, C replaced by T.
Molecular consequence: 3 prime UTR variant. On other transcripts: non-coding transcript variant (1).
Genome position (GRCh38, 1-based): chr16:50,731,908, C>T. VCF-style: chr16-50731908-C-T. GRCh37 (hg19) VCF-style: chr16-50765819-C-T.
Other names: c.*89C>T (LRG_177t1, NM_001293557.2, NM_022162.3).
Identifiers: ClinVar variation 319476 (VCV000319476.30), dbSNP rs184545855, ClinGen allele CA10643727.
Genomic context (GRCh38, chr16:50,731,908, plus strand): 5'-TGTTTGTGAGCAGGCTGTGAGTTTGGGCCCCAGAGGCTGGGTGACATGTGTTGGCAGCCT[C>T]TTCAAAATGAGCCCTGTCCTGCCTAAGGCTGAACTTGTTTTCTGGGAACACCATAGGTCA-3'

ClinVar aggregate classification (germline): Conflicting classifications of pathogenicity. Review status: criteria provided, conflicting classifications (1 of 4 stars). 3 submissions from 2 submitters: Uncertain significance (1); Benign (2). Last evaluated 2022-11-01.

Conditions:
Inflammatory bowel disease 1 (IBD1). Also called: INFLAMMATORY BOWEL DISEASE (CROHN DISEASE) 1; Inflammatory bowel disease 1, Crohn disease. Identifiers: MedGen CN260071, MONDO:0009960, OMIM 266600.
Blau syndrome (BLAUS). Also called: GRANULOMATOSIS, FAMILIAL JUVENILE SYSTEMIC; GRANULOMATOSIS, FAMILIAL, BLAU TYPE; GRANULOMATOUS INFLAMMATORY ARTHRITIS, DERMATITIS, AND UVEITIS, FAMILIAL; JABS SYNDROME; ARTHROCUTANEOUVEAL GRANULOMATOSIS. Identifiers: Orphanet 90340, MedGen C5201146, MONDO:0008523, OMIM 186580.

Allele frequency attached by ClinVar (database versions not stated): TOPMed 0.00049; 1000 Genomes Project 0.00140; 1000 Genomes Project 30x 0.00141; gnomAD 0.00183; gnomAD exomes 0.00208.
gnomAD v4.1: 1,963 of 952,126 alleles (0.21%); highest among the groups gnomAD compares: South Asian, 0.65%; 25 homozygotes.

Submissions (3):

CeGaT Center for Human Genetics Tuebingen
Classification: Benign. Last evaluated: 2022-11-01. Review status: criteria provided, single submitter. Criteria: CeGaT Center For Human Genetics Tuebingen Variant Classification Criteria Version 2. Collection method: clinical testing. Allele origin: germline. Affected: yes. Observed: 2 variant alleles.
Comment: NOD2: BS1, BS2

Illumina Laboratory Services, Illumina
Classification: Benign for Blau syndrome. Last evaluated: 2018-01-13. Review status: criteria provided, single submitter. Criteria: ICSL Variant Classification Criteria 13 December 2019. Collection method: clinical testing. Allele origin: germline.
Comment: This variant was observed in the ICSL laboratory as part of a predisposition screen in an ostensibly healthy population. It had not been previously curated by ICSL or reported in the Human Gene Mutation Database (HGMD: prior to June 1st, 2018), and was therefore a candidate for classification through an automated scoring system. Utilizing variant allele frequency, disease prevalence and penetrance estimates, and inheritance mode, an automated score was calculated to assess if this variant is too frequent to cause the disease. Based on the score and internal cut-off values, a variant classified as benign is not then subjected to further curation. The score for this variant resulted in a classification of benign for this disease.

Illumina Laboratory Services, Illumina
Classification: Uncertain significance for Inflammatory bowel disease 1. Last evaluated: 2018-01-13. Review status: criteria provided, single submitter. Criteria: ICSL Variant Classification Criteria 13 December 2019. Collection method: clinical testing. Allele origin: germline.